The following is an entry in ClinVar:

ClinVar aggregate classification (germline): Pathogenic. Review status: criteria provided, multiple submitters, no conflicts (2 of 4 stars). 17 submissions from 17 submitters: Pathogenic (14). 3 of the submissions do not count toward it. Last evaluated 2026-02-01.

Conditions:
Hb SS disease (SCD). Also called: Hemoglobin SS; Sickle cell anemia; Sickle cell disease; HbS disease; Hemoglobin S Disease; Sickling disorder due to hemoglobin S. Identifiers: Orphanet 232, Orphanet 275752, MedGen C0002895, MONDO:0011382, OMIM 603903.
Heinz body anemia. Also called: Heinz body hemolytic anemia. Identifiers: Orphanet 178330, MedGen C0700299, MONDO:0007705, OMIM 140700, HP:0005511.
Dominant beta-thalassemia. Also called: Beta-thalassemia, dominant inclusion body type. Identifiers: Orphanet 231226, Orphanet 848, MedGen C1858990, MONDO:0011381, OMIM 603902.
Beta-thalassemia HBB/LCRB. Identifiers: MedGen CN322236, MONDO:0013517, OMIM 613985.
Erythrocytosis, familial, 6. Also called: POLYCYTHEMIA, BETA-GLOBIN TYPE; ERYTHROCYTOSIS, BETA-GLOBIN TYPE. Identifiers: MedGen C4693822, MONDO:0054801, OMIM 617980.
METHEMOGLOBINEMIA, BETA TYPE. Also called: Methemoglobinemia, beta-globin type. Identifiers: MedGen C1840779, OMIM 617971.
Malaria, susceptibility to. Identifiers: Orphanet 673, MedGen C1970028, MONDO:0021024, OMIM 611162.
Hereditary persistence of fetal hemoglobin. Identifiers: MedGen C0019025, MONDO:0020989, OMIM 141749.
beta Thalassemia (BTHAL). Also called: Cooley's anemia; Erythroblastic anemia; Mediterranean anemia. Identifiers: Orphanet 848, MedGen C0005283, MONDO:0019402. Disease mechanism: loss of function.
Beta zero thalassemia. Identifiers: MedGen C0271980.

Allele frequency attached by ClinVar (database versions not stated): gnomAD exomes 0.00003 and 0.00009; 1000 Genomes Project 30x 0.00031; gnomAD below 0.00001 and 0.00003; TOPMed 0.00001; 1000 Genomes Project 0.00040; ExAC 0.00012.
gnomAD v4.1: 52 of 1,613,724 alleles (0.0032%); highest among the groups gnomAD compares: South Asian, 0.054%; no homozygotes.

Submissions 1 to 13 of 17:

Labcorp Genetics (formerly Invitae), Labcorp
Classification: Pathogenic. Last evaluated: 2026-02-01. Review status: criteria provided, single submitter. Criteria: Invitae Variant Classification Sherloc (09022015). Collection method: clinical testing. Allele origin: germline.
Comment: This sequence change creates a premature translational stop signal (p.Trp16*) in the HBB gene. While this is not anticipated to result in nonsense mediated decay, it is expected to disrupt the last 132 amino acid(s) of the HBB protein. This variant is present in population databases (rs63750783, gnomAD 0.06%). This premature translational stop signal has been observed in individuals with beta thalassemia and has been reported as a prevalent disease-associated variant in several populations (PMID: 1581247, 6714226, 7668221, 18294253, 20395516, 27263053, 27828729). This variant is also known as "Codon 15 (TGG->TGA)". ClinVar contains an entry for this variant (Variation ID: 15403). Algorithms developed to predict the effect of sequence changes on RNA splicing suggest that this variant may disrupt the consensus splice site. For these reasons, this variant has been classified as Pathogenic.

Natera, Inc.
Classification: Pathogenic for Beta thalassemia. Last evaluated: 2025-12-09. Review status: criteria provided, single submitter. Criteria: Natera Variant Classification Schema (03/2026). Collection method: clinical testing. Allele origin: germline.
Comment: The c.47G>A variant in HBB is a nonsense variant predicted to introduce a stop codon at amino acid 16. This variant is expected to result in nonsense mediated decay, truncation, or a dysfunctional protein product. This variant is rare in the general population with a frequency below the threshold expected for the associated phenotype(s). This variant has been observed in one or more individuals affected with the associated recessive disease, as either homozygous or compound heterozygous with a second variant (PMID: 20665635). Given the available evidence, this variant is classified as Pathogenic.

ARUP Laboratories, Molecular Genetics and Genomics, ARUP Laboratories
Classification: Pathogenic. Last evaluated: 2025-06-02. Review status: criteria provided, single submitter. Criteria: ARUP Molecular Germline Variant Investigation Process 2024. Collection method: clinical testing. Allele origin: germline.
Comment: The HBB c.47G>A; p.Trp16Ter variant (also known as Trp15Ter when numbered from the mature protein or as Codon 15 (G->A); TGG->TAG, rs63750783, HbVar ID: 791) has been reported in individuals with beta(0) thalassemia (Kazazian 1984, HbVar database and references therein). This variant is found in the general population with an overall allele frequency of 0.009% (22/251244 alleles) in the Genome Aggregation Database. This variant introduces a premature termination codon, but the mRNA is resistant to nonsense-mediated decay (Neu-Yilik 2011); thus it is predicted to result in a truncated protein. Based on available information, this variant is considered to be pathogenic. References: Link to HbVar database: Kazazian HH Jr et al. Molecular characterization of seven beta-thalassemia mutations in Asian Indians. EMBO J. 1984; 3(3):593-6. PMID: 6714226. Neu-Yilik G et al. Mechanism of escape from nonsense-mediated mRNA decay of human beta-globin transcripts with nonsense mutations in the first exon. RNA. 2011; 17(5):843-54. PMID: 21389146.

Center for Genomic Medicine, Rigshospitalet, Copenhagen University Hospital
Classification: Pathogenic. Last evaluated: 2025-03-04. Review status: criteria provided, single submitter. Criteria: ACMG Guidelines, 2015. Collection method: clinical testing. Allele origin: germline.

Fulgent Genetics
Classification: Pathogenic for Heinz body anemia; Hereditary persistence of fetal hemoglobin; Dominant beta-thalassemia; Hb SS disease; Malaria, susceptibility to; Beta-thalassemia HBB/LCRB; METHEMOGLOBINEMIA, BETA TYPE; Erythrocytosis, familial, 6. Last evaluated: 2024-06-17. Review status: criteria provided, single submitter. Criteria: ACMG Guidelines, 2015. Collection method: clinical testing. Allele origin: germline.

GeneDx
Classification: Pathogenic. Last evaluated: 2023-02-17. Review status: criteria provided, single submitter. Criteria: GeneDx Variant Classification Process June 2021. Collection method: clinical testing. Allele origin: germline. Affected: yes.
Comment: Nonsense variant predicted to result in protein truncation or nonsense mediated decay in a gene for which loss of function is a known mechanism of disease; This variant is associated with the following publications: (PMID: 22975760, 30200837, 29669226, 7668221, 6714226, 28635337, 21389146, 8091935, 27263053)

Laboratory for Molecular Medicine, Mass General Brigham Personalized Medicine
Classification: Pathogenic for beta Thalassemia. Last evaluated: 2022-11-03. Review status: criteria provided, single submitter. Criteria: ACMG Guidelines, 2015. Collection method: clinical testing. Allele origin: germline.
Comment: The p.Trp16X variant (also known as Trp15X) has been reported in numerous individuals with beta thalassemia (selected references Kazazian 1984 PMID: 6714226, HbVar database ). It has been reported in ClinVar (Variation ID 15403) and was identified in 4/4834 South Asian chromosomes by gnomAD. This nonsense variant leads to a premature termination codon at position 16, which is predicted to lead to a truncated or absent protein. Loss of function of the HBB gene is an established disease mechanism in autosomal recessive beta thalassemia. In summary, this variant meets criteria to be classified as pathogenic for autosomal recessive beta thalassemia. ACMG/AMP Criteria applied: PM2_Supporting, PVS1, PM3_Strong.

Genome-Nilou Lab
Classification: Pathogenic for Beta-thalassemia HBB/LCRB. Last evaluated: 2021-07-22. Review status: criteria provided, single submitter. Criteria: ACMG Guidelines, 2015. Collection method: clinical testing. Allele origin: germline. Affected: no.

Myriad Genetics, Inc.
Classification: Pathogenic for Beta-thalassemia HBB/LCRB. Last evaluated: 2019-12-16. Review status: criteria provided, single submitter. Criteria: Myriad Women's Health Autosomal Recessive and X-Linked Classification Criteria (2019). Collection method: clinical testing. Allele origin: unknown.
Comment: NM_000518.4(HBB):c.47G>A(W16*) is classified as pathogenic in the context of Hb beta chain-related hemoglobinopathy and is associated with beta thalassemia. Sources cited for classification include the following: PMID 21389146, 15278762, 18294253 and 21389146. Classification of NM_000518.4(HBB):c.47G>A(W16*) is based on the following criteria: This is a well-established pathogenic variant in the literature that has been observed more frequently in patients with clinical diagnoses than in healthy populations. Please note: this variant was assessed in the context of healthy population screening.

Quest Diagnostics Nichols Institute San Juan Capistrano
Classification: Pathogenic. Last evaluated: 2017-06-30. Review status: criteria provided, single submitter. Criteria: Quest Diagnostics criteria. Collection method: clinical testing. Allele origin: germline.

Clinical Genetics and Genomics, Karolinska University Hospital
Classification: Pathogenic. Last evaluated: 2016-11-11. Review status: criteria provided, single submitter. Criteria: ACMG Guidelines, 2015. Collection method: clinical testing. Allele origin: germline. Affected: yes. Observed: 5 variant alleles.

Women's Health and Genetics/Laboratory Corporation of America, LabCorp
Classification: Pathogenic for beta Thalassemia. Last evaluated: 2016-05-12. Review status: criteria provided, single submitter. Criteria: LabCorp Variant Classification Summary - May 2015. Collection method: clinical testing. Allele origin: germline.
Comment: Variant summary: The HBB c.47G>A (p.Trp16X) variant results in a premature termination codon, predicted to cause a truncated or absent HBB protein due to nonsense mediated decay, which are commonly known mechanisms for disease. Variant c.48G>A that gives the same codon change has been classified as pathogenic by our laboratory. One in silico tool predicts a damaging outcome for this variant. This variant was found in 14/121364 control chromosomes at a frequency of 0.0001154, which does not exceed the estimated maximal expected allele frequency of a pathogenic HBB variant (0.0111803). This variant has been reported in numerous beta thalassemia patients and is considered as a common disease variant. In addition, multiple reputable databases classified this variant as pathogenic. Taken together, this variant is classified as pathogenic.

Baylor Genetics
Classification: Pathogenic for Hb SS disease. Review status: criteria provided, single submitter. Criteria: ACMG Guidelines, 2015. Collection method: clinical testing. Allele origin: germline.

NM_000518.5(HBB):c.47G>A (p.Trp16Ter)

Genes: HBB (hemoglobin subunit beta; minus strand), LOC106099062 (HBB recombination region; plus strand), LOC107133510 (origin of replication at HBB; plus strand). Cytogenetic location: 11p15.4.
Variant type: single nucleotide variant.
Coding change: c.47G>A on transcript NM_000518.5 (MANE Select); coding-DNA position 47, G replaced by A.
Protein change: p.Trp16Ter; replaces tryptophan 16 with a stop codon.
Molecular consequence: nonsense.
Genome position (GRCh38, 1-based): chr11:5,226,975, C>T on the plus strand (G>A on the coding strand, the complement: HBB is on the minus strand). VCF-style: chr11-5226975-C-T. GRCh37 (hg19) VCF-style: chr11-5248205-C-T.
Other names: W15*; CD 15 TGG>TAG; short protein forms W16*.
Identifiers: ClinVar variation 15403 (VCV000015403.123), dbSNP rs63750783, ClinGen allele CA125261.